The following is an entry in ClinVar:

NM_001184.4(ATR):c.6208C>A (p.Leu2070Ile)

Genes: ATR (ATR checkpoint kinase; minus strand), LOC126806830 (BRD4-independent group 4 enhancer GRCh37_chr3:142203676-142204875; plus strand). Cytogenetic location: 3q23.
Variant type: single nucleotide variant.
Coding change: c.6208C>A on transcript NM_001184.4 (MANE Select); coding-DNA position 6208, C replaced by A.
Protein change: p.Leu2070Ile; replaces leucine 2070 with isoleucine.
Molecular consequence: missense variant.
Genome position (GRCh38, 1-based): chr3:142,485,153, G>T on the plus strand (C>A on the coding strand, the complement: ATR is on the minus strand). VCF-style: chr3-142485153-G-T. GRCh37 (hg19) VCF-style: chr3-142203995-G-T.
Other names: c.6016C>A, p.Leu2006Ile (NM_001354579.2); short protein forms L2006I, L2070I.
Identifiers: ClinVar variation 1752198 (VCV001752198.2), dbSNP rs2108310834, ClinGen allele CA354809341.

ClinVar aggregate classification (germline): Uncertain significance (1 of 4 stars; one submission).

Conditions:
Inborn genetic diseases. Identifiers: MedGen C0950123, MeSH D030342.

Submission:

Ambry Genetics
Classification: Uncertain significance for Inborn genetic diseases. Last evaluated: 2021-12-10. Review status: criteria provided, single submitter. Criteria: Ambry Variant Classification Scheme 2023. Collection method: clinical testing. Allele origin: germline.
Comment: The p.L2070I variant (also known as c.6208C>A), located in coding exon 36 of the ATR gene, results from a C to A substitution at nucleotide position 6208. The leucine at codon 2070 is replaced by isoleucine, an amino acid with highly similar properties. This amino acid position is conserved. In addition, this alteration is predicted to be tolerated by in silico analysis. Since supporting evidence is limited at this time, the clinical significance of this alteration remains unclear.